The following is an entry in ClinVar:

ClinVar aggregate classification (germline): Uncertain significance (1 of 4 stars; one submission).

Submission:

Biesecker Lab/Clinical Genomics Section, National Institutes of Health
Classification: Uncertain significance. Last evaluated: 2013-06-24. Review status: criteria provided, single submitter. Criteria: Ng et al. (Circ Cardiovasc Genet. 2013). Collection method: research. Allele origin: unknown. Observed: 1 variant allele. Study: ClinSeq.
Comment: The study set was not selected for affection status in relation to any cancer. Pathogenicity categories were based on literature curation. See Pubmed ID:23861362 for details.

Medical sequencing

NM_001267550.2(TTN):c.74859C>T (p.Ile24953=)

Genes: TTN (titin; minus strand), TTN-AS1 (TTN antisense RNA 1; plus strand). Cytogenetic location: 2q31.2.
Variant type: single nucleotide variant.
Coding change: c.74859C>T on transcript NM_001267550.2 (MANE Select); coding-DNA position 74859, C replaced by T.
Protein change: p.Ile24953=; no amino-acid change (isoleucine 24953 retained).
Molecular consequence: synonymous variant.
Genome position (GRCh38, 1-based): chr2:178,571,273, G>A on the plus strand (C>T on the coding strand, the complement: TTN is on the minus strand). VCF-style: chr2-178571273-G-A. GRCh37 (hg19) VCF-style: chr2-179436000-G-A.
Other names: c.47664C>T, p.Ile15888= (NM_003319.4); c.67155C>T, p.Ile22385= (NM_133378.4); c.48039C>T, p.Ile16013= (NM_133432.3); c.69936C>T, p.Ile23312= (NM_001256850.1); c.48240C>T, p.Ile16080= (NM_133437.4).
Identifiers: ClinVar variation 191895 (VCV000191895.1), dbSNP rs786205302, ClinGen allele CA237806.